The following is an entry in ClinVar:

NM_032119.4(ADGRV1):c.2476A>C (p.Thr826Pro)

Gene: ADGRV1 (adhesion G protein-coupled receptor V1; plus strand). Cytogenetic location: 5q14.3.
Variant type: single nucleotide variant.
Coding change: c.2476A>C on transcript NM_032119.4 (MANE Select); coding-DNA position 2476, A replaced by C.
Protein change: p.Thr826Pro; replaces threonine 826 with proline.
Molecular consequence: missense variant. On other transcripts: non-coding transcript variant (1).
Genome position (GRCh38, 1-based): chr5:90,642,964, A>C. VCF-style: chr5-90642964-A-C. GRCh37 (hg19) VCF-style: chr5-89938781-A-C.
Other names: short protein forms T826P.
Identifiers: ClinVar variation 1496741 (VCV001496741.7), dbSNP rs764727406, ClinGen allele CA360388257.

ClinVar aggregate classification (germline): Uncertain significance (1 of 4 stars; one submission).

Submission:

Labcorp Genetics (formerly Invitae), Labcorp
Classification: Uncertain significance. Last evaluated: 2024-10-29. Review status: criteria provided, single submitter. Criteria: Invitae Variant Classification Sherloc (09022015). Collection method: clinical testing. Allele origin: germline.
Comment: This sequence change replaces threonine, which is neutral and polar, with proline, which is neutral and non-polar, at codon 826 of the ADGRV1 protein (p.Thr826Pro). This variant is not present in population databases (gnomAD no frequency). This variant has not been reported in the literature in individuals affected with ADGRV1-related conditions. ClinVar contains an entry for this variant (Variation ID: 1496741). Invitae Evidence Modeling of protein sequence and biophysical properties (such as structural, functional, and spatial information, amino acid conservation, physicochemical variation, residue mobility, and thermodynamic stability) indicates that this missense variant is not expected to disrupt ADGRV1 protein function with a negative predictive value of 95%. In summary, the available evidence is currently insufficient to determine the role of this variant in disease. Therefore, it has been classified as a Variant of Uncertain Significance.